The following is an entry in ClinVar:

ClinVar aggregate classification (germline): Uncertain significance (1 of 4 stars; one submission).

Allele frequency attached by ClinVar (database versions not stated): gnomAD exomes below 0.00001; TOPMed below 0.00001; ExAC 0.00001.
gnomAD v4.1: 2 of 1,613,694 alleles (0.00012%); highest among the groups gnomAD compares: Admixed American, 0.0033%; no homozygotes.

Submission:

Labcorp Genetics (formerly Invitae), Labcorp
Classification: Uncertain significance. Last evaluated: 2022-06-11. Review status: criteria provided, single submitter. Criteria: Invitae Variant Classification Sherloc (09022015). Collection method: clinical testing. Allele origin: germline.
Comment: This sequence change replaces alanine, which is neutral and non-polar, with serine, which is neutral and polar, at codon 189 of the ACAD9 protein (p.Ala189Ser). The frequency data for this variant in the population databases is considered unreliable, as metrics indicate poor data quality at this position in the gnomAD database. This variant has not been reported in the literature in individuals affected with ACAD9-related conditions. Advanced modeling of protein sequence and biophysical properties (such as structural, functional, and spatial information, amino acid conservation, physicochemical variation, residue mobility, and thermodynamic stability) performed at Invitae indicates that this missense variant is expected to disrupt ACAD9 protein function. In summary, the available evidence is currently insufficient to determine the role of this variant in disease. Therefore, it has been classified as a Variant of Uncertain Significance.

NM_014049.5(ACAD9):c.565G>T (p.Ala189Ser)

Gene: ACAD9 (acyl-CoA dehydrogenase family member 9; plus strand). Cytogenetic location: 3q21.3.
Variant type: single nucleotide variant.
Coding change: c.565G>T on transcript NM_014049.5 (MANE Select); coding-DNA position 565, G replaced by T.
Protein change: p.Ala189Ser; replaces alanine 189 with serine.
Molecular consequence: missense variant. On other transcripts: non-coding transcript variant (1).
Genome position (GRCh38, 1-based): chr3:128,897,642, G>T. VCF-style: chr3-128897642-G-T. GRCh37 (hg19) VCF-style: chr3-128616485-G-T.
Other names: c.196G>T, p.Ala66Ser (NM_001410805.1); short protein forms A189S, A66S.
Identifiers: ClinVar variation 2415001 (VCV002415001.3), dbSNP rs777247352, ClinGen allele CA2601193.